The following is an entry in ClinVar:

ClinVar aggregate classification (germline): Uncertain significance (1 of 4 stars; one submission).

Submission:

GeneDx
Classification: Uncertain significance. Last evaluated: 2025-01-21. Review status: criteria provided, single submitter. Criteria: GeneDx Variant Classification Process June 2021. Collection method: clinical testing. Allele origin: germline. Affected: yes.
Comment: Not observed at significant frequency in large population cohorts (gnomAD); In silico analysis supports that this missense variant has a deleterious effect on protein structure/function

NM_002547.3(OPHN1):c.1502A>T (p.Glu501Val)

Gene: OPHN1 (oligophrenin 1; minus strand). Cytogenetic location: Xq12.
Variant type: single nucleotide variant.
Coding change: c.1502A>T on transcript NM_002547.3 (MANE Select); coding-DNA position 1502, A replaced by T.
Protein change: p.Glu501Val; replaces glutamic acid 501 with valine.
Molecular consequence: missense variant.
Genome position (GRCh38, 1-based): chrX:68,111,878, T>A on the plus strand (A>T on the coding strand, the complement: OPHN1 is on the minus strand). VCF-style: chrX-68111878-T-A. GRCh37 (hg19) VCF-style: chrX-67331720-T-A.
Other names: short protein forms E501V.
Identifiers: ClinVar variation 4070836 (VCV004070836.1).
Genomic context (GRCh38, chrX:68,111,878, plus strand): 5'-ATAGGAACTTTTTCTGAAAATCCAGCAGTTACTTACTTGACCAAGTGTCTTATCAGAAGT[T>A]CCAGCATCTCTCGGTTCTTTTCTGGTAGCTTATATACCAGGGAGTGAATAGCTCCTAGGC-3'
Protein context (NP_002538.1, residues 491-511): KLPEKNREML[Glu501Val]LLIRHLVNVC